The following is an entry in ClinVar:

NM_031407.7(HUWE1):c.1637A>G (p.Asn546Ser)

Gene: HUWE1 (HECT, UBA and WWE domain containing E3 ubiquitin protein ligase 1; minus strand). Cytogenetic location: Xp11.22.
Variant type: single nucleotide variant.
Coding change: c.1637A>G on transcript NM_031407.7 (MANE Select); coding-DNA position 1637, A replaced by G.
Protein change: p.Asn546Ser; replaces asparagine 546 with serine.
Molecular consequence: missense variant.
Genome position (GRCh38, 1-based): chrX:53,624,630, T>C on the plus strand (A>G on the coding strand, the complement: HUWE1 is on the minus strand). VCF-style: chrX-53624630-T-C. GRCh37 (hg19) VCF-style: chrX-53651591-T-C.
Other names: c.1637A>G, p.Asn546Ser (NM_001441048.1, NM_001441049.1, NM_001441051.1 and 6 more transcripts); c.1658A>G, p.Asn553Ser (NM_001441050.1, NM_001441055.1); short protein forms N546S, N553S.
Identifiers: ClinVar variation 4077247 (VCV004077247.2).

ClinVar aggregate classification (germline): Uncertain significance (1 of 4 stars; one submission).

Submission:

GeneDx
Classification: Uncertain significance. Last evaluated: 2026-04-19. Review status: criteria provided, single submitter. Criteria: GeneDx Variant Classification Process June 2021. Collection method: clinical testing. Allele origin: germline.
Comment: Not observed at significant frequency in large population cohorts (gnomAD); In silico analysis supports that this missense variant has a deleterious effect on protein structure/function; Has not been previously published as pathogenic or benign to our knowledge